The following is an entry in ClinVar:

ClinVar aggregate classification (germline): Uncertain significance (1 of 4 stars; one submission).

Conditions:
Hereditary cancer-predisposing syndrome. Also called: Neoplastic Syndromes, Hereditary; Tumor predisposition; Hereditary Cancer Syndrome; Hereditary neoplastic syndrome. Identifiers: Orphanet 140162, MedGen C0027672, MeSH D009386, MONDO:0015356.

Submission:

Ambry Genetics
Classification: Uncertain significance for Hereditary cancer-predisposing syndrome. Last evaluated: 2019-02-21. Review status: criteria provided, single submitter. Criteria: Ambry Variant Classification Scheme 2023. Collection method: clinical testing. Allele origin: germline.
Comment: The p.K1495M variant (also known as c.4484A>T), located in coding exon 30 of the SMARCA4 gene, results from an A to T substitution at nucleotide position 4484. The lysine at codon 1495 is replaced by methionine, an amino acid with similar properties. This amino acid position is well conserved in available vertebrate species. In addition, this alteration is predicted to be tolerated by in silico analysis. Since supporting evidence is limited at this time, the clinical significance of this alteration remains unclear.

NM_003072.5(SMARCA4):c.4388A>T (p.Lys1463Met)

Gene: SMARCA4 (SWI/SNF related BAF chromatin remodeling complex subunit ATPase 4; plus strand). Cytogenetic location: 19p13.2.
Variant type: single nucleotide variant.
Coding change: c.4388A>T on transcript NM_003072.5 (MANE Select); coding-DNA position 4388, A replaced by T.
Protein change: p.Lys1463Met; replaces lysine 1463 with methionine.
Molecular consequence: missense variant. On other transcripts: non-coding transcript variant (1).
Genome position (GRCh38, 1-based): chr19:11,041,524, A>T. VCF-style: chr19-11041524-A-T. GRCh37 (hg19) VCF-style: chr19-11152200-A-T.
Other names: c.4388A>T, p.Lys1463Met (NM_001128844.3); c.4298A>T, p.Lys1433Met (NM_001128845.2, NM_001128846.2); c.4289A>T, p.Lys1430Met (NM_001128847.4, NM_001128848.2, NM_001374457.1); c.4484A>T, p.Lys1495Met (NM_001128849.3, NM_001387283.1); short protein forms K1495M, K1430M, K1433M, K1463M.
Identifiers: ClinVar variation 484946 (VCV000484946.5), dbSNP rs1555788346, ClinGen allele CA404074105.
Genomic context (GRCh38, chr19:11,041,524, plus strand): 5'-GCGGGCGGCCGCCTGCCGAGAAACTCTCCCCTAACCCACCCAACCTCACCAAGAAGATGA[A>T]GAAGATTGTGGATGCCGTGATCAAGTACAAGGACAGGTAAGCGAGGAGGCGGGGAGGGCG-3'
Protein context (NP_003063.2, residues 1453-1473): PNPPNLTKKM[Lys1463Met]KIVDAVIKYK